The following is an entry in ClinVar:

ClinVar aggregate classification (germline): Likely pathogenic (1 of 4 stars; one submission).

Conditions:
Ataxia-telangiectasia syndrome (AT). Also called: Ataxia-telangiectasia, complementation group D; AT, COMPLEMENTATION GROUP C; Ataxia telangiectasia (A-T); Cerebello-oculocutaneous telangiectasia; Immunodeficiency with ataxia telangiectasia; ATAXIA-TELANGIECTASIA, COMPLEMENTATION GROUP A. Identifiers: Orphanet 100, MedGen C0004135, MONDO:0008840, OMIM 208900.

Submission:

Labcorp Genetics (formerly Invitae), Labcorp
Classification: Likely pathogenic for Ataxia-telangiectasia syndrome. Last evaluated: 2019-08-19. Review status: criteria provided, single submitter. Criteria: Invitae Variant Classification Sherloc (09022015). Collection method: clinical testing. Allele origin: germline.
Comment: This variant is a deletion of the genomic region encompassing exons 35-38 and part of exon 34 (c.5129_5763-1060del) of the ATM gene. It is expected to disrupt RNA splicing and likely results in an absent or disrupted protein product. A similar variant has been observed in an individual affected with ataxia-telangiectasia (PMID: 27664052). Loss-of-function variants in ATM are known to be pathogenic (PMID: 23807571, 25614872). In summary, the currently available evidence indicates that the variant is pathogenic, but additional data are needed to prove that conclusively. Therefore, this variant has been classified as Likely Pathogenic.

Literature cited by the submitters: PubMed 27664052.

NM_000051.4(ATM):c.5129_5763-1060del

Genes: ATM (ATM serine/threonine kinase; plus strand), C11orf65 (chromosome 11 open reading frame 65; minus strand). Cytogenetic location: 11q22.3.
Variant type: Deletion.
Coding change: c.5129_5763-1060del on transcript NM_000051.4 (MANE Select); coding-DNA position 5129 through 1060 bases into the intron before coding-DNA position 5763, 9,264 bases deleted.
Molecular consequence: splice acceptor variant, splice donor variant.
Genome position (GRCh38, 1-based): chr11:108,299,837-108,309,100, 9,264 bases deleted. GRCh37 (hg19): chr11:108,170,564-108,179,827.
Other names: c.5129_5763-1060del (NM_001351834.2).
Identifiers: ClinVar variation 665350 (VCV000665350.2), ClinGen allele CA915947621.